The following is an entry in ClinVar:

ClinVar aggregate classification (germline): Likely benign. Review status: criteria provided, multiple submitters, no conflicts (2 of 4 stars). 2 submissions from 2 submitters: Likely benign (2). Last evaluated 2023-08-01.

Conditions:
Joubert syndrome. Also called: JOUBERT-BOLTSHAUSER SYNDROME; Familial aplasia of the vermis. Identifiers: Orphanet 475, MedGen C5979921, MONDO:0018772.
Meckel-Gruber syndrome. Also called: DYSENCEPHALIA SPLANCHNOCYSTICA; GRUBER SYNDROME; Dysencephalia splachnocystica. Identifiers: Orphanet 564, MedGen C0265215, MONDO:0018921.
Nephronophthisis. Also called: Juvenile Nephronophthisis. Identifiers: Orphanet 655, MedGen C0687120, MONDO:0019005, HP:0000090.

Submissions (2):

Labcorp Genetics (formerly Invitae), Labcorp
Classification: Likely benign for Joubert syndrome; Meckel-Gruber syndrome; Nephronophthisis. Last evaluated: 2023-08-01. Review status: criteria provided, single submitter. Criteria: Invitae Variant Classification Sherloc (09022015). Collection method: clinical testing. Allele origin: germline.

CeGaT Center for Human Genetics Tuebingen
Classification: Likely benign. Last evaluated: 2023-06-01. Review status: criteria provided, single submitter. Criteria: CeGaT Center For Human Genetics Tuebingen Variant Classification Criteria Version 2. Collection method: clinical testing. Allele origin: germline. Affected: yes. Observed: 1 variant allele.
Comment: CEP290: PM2:Supporting, BP4, BP7

NM_025114.4(CEP290):c.1638G>A (p.Glu546=)

Gene: CEP290 (centrosomal protein 290; minus strand). Cytogenetic location: 12q21.32.
Variant type: single nucleotide variant.
Coding change: c.1638G>A on transcript NM_025114.4 (MANE Select); coding-DNA position 1638, G replaced by A.
Protein change: p.Glu546=; no amino-acid change (glutamic acid 546 retained).
Molecular consequence: synonymous variant.
Genome position (GRCh38, 1-based): chr12:88,118,556, C>T on the plus strand (G>A on the coding strand, the complement: CEP290 is on the minus strand). VCF-style: chr12-88118556-C-T. GRCh37 (hg19) VCF-style: chr12-88512333-C-T.
Identifiers: ClinVar variation 2643206 (VCV002643206.27), dbSNP rs2500945615, ClinGen allele CA481051416.